The following is an entry in ClinVar:

NM_001042702.5(PJVK):c.212-2A>G

Gene: PJVK (pejvakin; plus strand). Cytogenetic location: 2q31.2.
Variant type: single nucleotide variant.
Coding change: c.212-2A>G on transcript NM_001042702.5 (MANE Select); the canonical splice acceptor site of the intron before coding-DNA position 212, A replaced by G.
Molecular consequence: splice acceptor variant.
Genome position (GRCh38, 1-based): chr2:178,454,330, A>G. VCF-style: chr2-178454330-A-G. GRCh37 (hg19) VCF-style: chr2-179319057-A-G.
Other names: c.-266-2A>G (NM_001353777.1, NM_001353778.2); c.221-2A>G (NM_001353775.2); c.317-2A>G (NM_001353776.2); c.212-2A>G (NM_001369912.1).
Identifiers: ClinVar variation 2782761 (VCV002782761.3), dbSNP rs2468708051, ClinGen allele CA349397708.

ClinVar aggregate classification (germline): Likely pathogenic (1 of 4 stars; one submission).

Allele frequency attached by ClinVar (database versions not stated): gnomAD exomes below 0.00001.
gnomAD v4.1: 1 of 1,609,582 alleles (0.000062%); highest among the groups gnomAD compares: Non-Finnish European, 0.000085%; no homozygotes.

Submission:

Labcorp Genetics (formerly Invitae), Labcorp
Classification: Likely pathogenic. Last evaluated: 2023-09-10. Review status: criteria provided, single submitter. Criteria: Invitae Variant Classification Sherloc (09022015). Collection method: clinical testing. Allele origin: germline.
Comment: This variant has not been reported in the literature in individuals affected with DFNB59-related conditions. Algorithms developed to predict the effect of sequence changes on RNA splicing suggest that this variant may disrupt the consensus splice site. In summary, the currently available evidence indicates that the variant is pathogenic, but additional data are needed to prove that conclusively. Therefore, this variant has been classified as Likely Pathogenic. This variant is not present in population databases (gnomAD no frequency). This sequence change affects an acceptor splice site in intron 2 of the DFNB59 gene. It is expected to disrupt RNA splicing. Variants that disrupt the donor or acceptor splice site typically lead to a loss of protein function (PMID: 16199547), and loss-of-function variants in DFNB59 are known to be pathogenic (PMID: 17301963, 17718875).

Literature cited by the submitters: PubMed 16199547; PubMed 17301963; PubMed 17718875.